The following is an entry in ClinVar:

NM_020738.4(KIDINS220):c.2807C>G (p.Pro936Arg)

Gene: KIDINS220 (kinase D interacting substrate 220; minus strand). Cytogenetic location: 2p25.1.
Variant type: single nucleotide variant.
Coding change: c.2807C>G on transcript NM_020738.4 (MANE Select); coding-DNA position 2807, C replaced by G.
Protein change: p.Pro936Arg; replaces proline 936 with arginine.
Molecular consequence: missense variant. On other transcripts: non-coding transcript variant (2).
Genome position (GRCh38, 1-based): chr2:8,776,789, G>C on the plus strand (C>G on the coding strand, the complement: KIDINS220 is on the minus strand). VCF-style: chr2-8776789-G-C. GRCh37 (hg19) VCF-style: chr2-8916919-G-C.
Other names: c.2807C>G (NM_020738.2); c.2810C>G, p.Pro937Arg (NM_001348729.2, NM_001348731.2, NM_001348734.2 and 3 more transcripts); c.2807C>G, p.Pro936Arg (NM_001348732.2, NM_001348735.2, NM_001348738.2 and 3 more transcripts); c.2681C>G, p.Pro894Arg (NM_001348736.2); short protein forms P894R, P936R, P937R.
Identifiers: ClinVar variation 1413707 (VCV001413707.11), dbSNP rs202054411, ClinGen allele CA42329322.
Genomic context (GRCh38, chr2:8,776,789, plus strand): 5'-AATAAGAGACAAAAGTCACCTGTCACAGAAACAATATTAAGTAATCTTCTCATGGTCTGG[G>C]GACTGATGTCACTGAACCAGTCCTCGGTAACCAGCAGTTTTGTAAGATCAAAGGACATCT-3'
Protein context (NP_065789.1, residues 926-946): VTEDWFSDIS[Pro936Arg]QTMRRLLNIV

ClinVar aggregate classification (germline): Uncertain significance. Review status: criteria provided, multiple submitters, no conflicts (2 of 4 stars). 3 submissions from 3 submitters: Uncertain significance (3). Last evaluated 2026-05-05.

Conditions:
KIDINS220-related disorder. Also called: KIDINS220-related condition.

Allele frequency attached by ClinVar (database versions not stated): ESP Exome Variant Server 0.00008.
gnomAD v4.1: 40 of 1,613,808 alleles (0.0025%); highest among the groups gnomAD compares: Non-Finnish European, 0.0034%; no homozygotes.

Submissions (3):

PreventionGenetics, part of Exact Sciences
Classification: Uncertain significance for KIDINS220-related condition. Last evaluated: 2026-05-05. Review status: criteria provided, single submitter. Criteria: ACMG Guidelines, 2015. Collection method: clinical testing. Allele origin: germline.
Comment: The KIDINS220 c.2807C>G variant is predicted to result in the amino acid substitution p.Pro936Arg. To our knowledge, this variant has not been reported in the literature. This variant is reported in 0.0016% of alleles in individuals of European (Non-Finnish) descent in gnomAD. At this time, the clinical significance of this variant is uncertain due to the absence of conclusive functional and genetic evidence.

Labcorp Genetics (formerly Invitae), Labcorp
Classification: Uncertain significance. Last evaluated: 2021-02-21. Review status: criteria provided, single submitter. Criteria: Invitae Variant Classification Sherloc (09022015). Collection method: clinical testing. Allele origin: germline.
Comment: In summary, the available evidence is currently insufficient to determine the role of this variant in disease. Therefore, it has been classified as a Variant of Uncertain Significance. Algorithms developed to predict the effect of missense changes on protein structure and function are either unavailable or do not agree on the potential impact of this missense change (SIFT: "Deleterious"; PolyPhen-2: "Probably Damaging"; Align-GVGD: "Class C0"). This variant has not been reported in the literature in individuals with KIDINS220-related conditions. This variant is not present in population databases (ExAC no frequency). This sequence change replaces proline with arginine at codon 936 of the KIDINS220 protein (p.Pro936Arg). The proline residue is highly conserved and there is a moderate physicochemical difference between proline and arginine.

Revvity Omics, Revvity
Classification: Uncertain significance. Last evaluated: 2020-12-14. Review status: criteria provided, single submitter. Criteria: ACMG Guidelines, 2015. Collection method: clinical testing. Allele origin: germline.